The following is an entry in ClinVar:

NM_002658.6(PLAU):c.236G>C (p.Arg79Pro)

Genes: C10orf55 (chromosome 10 putative open reading frame 55; minus strand), PLAU (plasminogen activator, urokinase; plus strand). Cytogenetic location: 10q22.2.
Variant type: single nucleotide variant.
Coding change: c.236G>C on transcript NM_002658.6 (MANE Select); coding-DNA position 236, G replaced by C.
Protein change: p.Arg79Pro; replaces arginine 79 with proline.
Molecular consequence: missense variant. On other transcripts: non-coding transcript variant (1), 5 prime UTR variant (1).
Genome position (GRCh38, 1-based): chr10:73,912,966, G>C. VCF-style: chr10-73912966-G-C. GRCh37 (hg19) VCF-style: chr10-75672724-G-C.
Other names: c.185G>C, p.Arg62Pro (NM_001145031.3); c.-23G>C (NM_001319191.2); short protein forms R62P, R79P.
Identifiers: ClinVar variation 877592 (VCV000877592.4), dbSNP rs201299522, ClinGen allele CA5562367.
Genomic context (GRCh38, chr10:73,912,966, plus strand): 5'-CCTCCTGTCCCCTTGTAGATAAGTCAAAAACCTGCTATGAGGGGAATGGTCACTTTTACC[G>C]AGGAAAGGCCAGCACTGACACCATGGGCCGGCCCTGCCTGCCCTGGAACTCTGCCACTGT-3'
Protein context (NP_002649.2, residues 69-89): TCYEGNGHFY[Arg79Pro]GKASTDTMGR

ClinVar aggregate classification (germline): Likely benign (1 of 4 stars; one submission).

Conditions:
Quebec platelet disorder (QPD). Also called: BLEEDING DISORDER, PLATELET-TYPE, 5; FACTOR V QUEBEC. Identifiers: Orphanet 220436, MedGen C1866423, MONDO:0011136, OMIM 601709.

gnomAD v4.1: 34 of 1,613,824 alleles (0.0021%); highest among the groups gnomAD compares: South Asian, 0.033%; 1 homozygote.

Submission:

Illumina Laboratory Services, Illumina
Classification: Likely benign for Quebec platelet disorder. Last evaluated: 2018-01-12. Review status: criteria provided, single submitter. Criteria: ICSL Variant Classification Criteria 13 December 2019. Collection method: clinical testing. Allele origin: germline.
Comment: This variant was observed in the ICSL laboratory as part of a predisposition screen in an ostensibly healthy population. It had not been previously curated by ICSL or reported in the Human Gene Mutation Database (HGMD: prior to June 1st, 2018), and was therefore a candidate for classification through an automated scoring system. Utilizing variant allele frequency, disease prevalence and penetrance estimates, and inheritance mode, an automated score was calculated to assess if this variant is too frequent to cause the disease. Based on the score and internal cut-off values, a variant classified as likely benign is not then subjected to further curation. The score for this variant resulted in a classification of likely benign for this disease.